The following is an entry in ClinVar:

ClinVar aggregate classification (germline): Likely benign (1 of 4 stars; one submission).

gnomAD v4.1: 6 of 1,608,884 alleles (0.00037%); highest among the groups gnomAD compares: Middle Eastern, 0.016%; no homozygotes.

Submission:

CeGaT Center for Human Genetics Tuebingen
Classification: Likely benign. Last evaluated: 2025-06-01. Review status: criteria provided, single submitter. Criteria: CeGaT Center For Human Genetics Tuebingen Variant Classification Criteria Version 2. Collection method: clinical testing. Allele origin: germline. Affected: yes. Observed: 1 variant allele.
Comment: SENP2: BP4, BP7

NM_021627.3(SENP2):c.853T>C (p.Leu285=)

Gene: SENP2 (SUMO specific peptidase 2; plus strand). Cytogenetic location: 3q27.2.
Variant type: single nucleotide variant.
Coding change: c.853T>C on transcript NM_021627.3 (MANE Select); coding-DNA position 853, T replaced by C.
Protein change: p.Leu285=; no amino-acid change (leucine 285 retained).
Molecular consequence: synonymous variant.
Genome position (GRCh38, 1-based): chr3:185,612,642, T>C. VCF-style: chr3-185612642-T-C. GRCh37 (hg19) VCF-style: chr3-185330430-T-C.
Identifiers: ClinVar variation 4085079 (VCV004085079.8).
Genomic context (GRCh38, chr3:185,612,642, plus strand): 5'-AATCTTTTCTTTACCATCCTCACAGATAGACTTGTTGAAACAAGGGGACCTCTATGTTCA[T>C]TGAGAAGTGAAAAGAGGTACGTACATTCAGTTCATTCTACACTTTCTTTTAATATATATT-3'
Protein context (NP_067640.2, residues 275-295): LVETRGPLCS[Leu285=]RSEKRCSKGK